The following is an entry in ClinVar:

ClinVar aggregate classification (germline): Benign/Likely benign. Review status: criteria provided, multiple submitters, no conflicts (2 of 4 stars). 6 submissions from 6 submitters: Benign (1); Likely benign (5). Last evaluated 2025-11-05.

Conditions:
Loeys-Dietz syndrome (LDS). Identifiers: Orphanet 60030, MedGen C2697932, MONDO:0018954.
Familial thoracic aortic aneurysm and aortic dissection (TAAD). Also called: Thoracic aortic aneurysms and dissections. Identifiers: Orphanet 91387, MedGen C4707243, MONDO:0019625.

Allele frequency attached by ClinVar (database versions not stated): gnomAD 0.00001; gnomAD exomes 0.00001 and 0.00003; TOPMed 0.00001; ExAC 0.00002.
gnomAD v4.1: 19 of 1,613,920 alleles (0.0012%); highest among the groups gnomAD compares: Middle Eastern, 0.016%; 1 homozygote.

Submissions (6):

Labcorp Genetics (formerly Invitae), Labcorp
Classification: Likely benign for Familial thoracic aortic aneurysm and aortic dissection. Last evaluated: 2025-11-05. Review status: criteria provided, single submitter. Criteria: Invitae Variant Classification Sherloc (09022015). Collection method: clinical testing. Allele origin: germline.

CeGaT Center for Human Genetics Tuebingen
Classification: Likely benign. Last evaluated: 2025-11-01. Review status: criteria provided, single submitter. Criteria: CeGaT Center For Human Genetics Tuebingen Variant Classification Criteria Version 2. Collection method: clinical testing. Allele origin: germline. Affected: yes. Observed: 1 variant allele.
Comment: TGFBR1: BP4, BP7

All of Us Research Program, National Institutes of Health
Classification: Likely benign for Loeys-Dietz syndrome. Last evaluated: 2023-12-01. Review status: criteria provided, single submitter. Criteria: ACMG Guidelines, 2015. Collection method: clinical testing. Allele origin: germline. Inheritance: Autosomal dominant inheritance. Observed: 5 variant alleles, 5 heterozygotes.
Comment: This study involves interpretation of variants in research participants for the purpose of population health screening. Participant phenotype was not available at the time of variant classification. Additional details can be found in publication PMID: 35346344, PMCID: PMC8962531

Blueprint Genetics
Classification: Likely benign. Last evaluated: 2021-11-30. Review status: criteria provided, single submitter. Criteria: ACMG Guidelines, 2015. Collection method: clinical testing. Allele origin: germline.

Color Diagnostics, LLC DBA Color Health
Classification: Likely benign for Familial thoracic aortic aneurysm and aortic dissection. Last evaluated: 2019-02-01. Review status: criteria provided, single submitter. Criteria: ACMG Guidelines, 2015. Collection method: clinical testing. Allele origin: germline.

GeneDx
Classification: Benign. Last evaluated: 2017-05-18. Review status: criteria provided, single submitter. Criteria: GeneDx Variant Classification (06012015). Collection method: clinical testing. Allele origin: germline. Affected: yes.
Comment: This variant is considered likely benign or benign based on one or more of the following criteria: it is a conservative change, it occurs at a poorly conserved position in the protein, it is predicted to be benign by multiple in silico algorithms, and/or has population frequency not consistent with disease.

NM_004612.4(TGFBR1):c.927G>A (p.Thr309=)

Gene: TGFBR1 (transforming growth factor beta receptor 1; plus strand). Cytogenetic location: 9q22.33.
Variant type: single nucleotide variant.
Coding change: c.927G>A on transcript NM_004612.4 (MANE Select); coding-DNA position 927, G replaced by A.
Protein change: p.Thr309=; no amino-acid change (threonine 309 retained).
Molecular consequence: synonymous variant.
Genome position (GRCh38, 1-based): chr9:99,142,657, G>A. VCF-style: chr9-99142657-G-A. GRCh37 (hg19) VCF-style: chr9-101904939-G-A.
Other names: c.696G>A, p.Thr232= (NM_001130916.3); c.939G>A, p.Thr313= (NM_001306210.2).
Identifiers: ClinVar variation 516728 (VCV000516728.19), dbSNP rs201323409, ClinGen allele CA043383.